The following is an entry in ClinVar:

ClinVar aggregate classification (germline): Uncertain significance (1 of 4 stars; one submission).

Submission:

Labcorp Genetics (formerly Invitae), Labcorp
Classification: Uncertain significance. Last evaluated: 2023-08-17. Review status: criteria provided, single submitter. Criteria: Invitae Variant Classification Sherloc (09022015). Collection method: clinical testing. Allele origin: germline.
Comment: This sequence change replaces aspartic acid, which is acidic and polar, with asparagine, which is neutral and polar, at codon 804 of the SAMD9L protein (p.Asp804Asn). This variant is not present in population databases (gnomAD no frequency). This variant has not been reported in the literature in individuals affected with SAMD9L-related conditions. Advanced modeling of protein sequence and biophysical properties (such as structural, functional, and spatial information, amino acid conservation, physicochemical variation, residue mobility, and thermodynamic stability) performed at Invitae indicates that this missense variant is not expected to disrupt SAMD9L protein function. In summary, the available evidence is currently insufficient to determine the role of this variant in disease. Therefore, it has been classified as a Variant of Uncertain Significance.

NM_152703.5(SAMD9L):c.2410G>A (p.Asp804Asn)

Gene: SAMD9L (sterile alpha motif domain containing 9 like; minus strand). Cytogenetic location: 7q21.2.
Variant type: single nucleotide variant.
Coding change: c.2410G>A on transcript NM_152703.5 (MANE Select); coding-DNA position 2410, G replaced by A.
Protein change: p.Asp804Asn; replaces aspartic acid 804 with asparagine.
Molecular consequence: missense variant.
Genome position (GRCh38, 1-based): chr7:93,133,562, C>T on the plus strand (G>A on the coding strand, the complement: SAMD9L is on the minus strand). VCF-style: chr7-93133562-C-T. GRCh37 (hg19) VCF-style: chr7-92762875-C-T.
Other names: c.2410G>A, p.Asp804Asn (NM_001303496.3, NM_001303497.3, NM_001303498.3 and 5 more transcripts); short protein forms D804N.
Identifiers: ClinVar variation 2853397 (VCV002853397.3), dbSNP rs1792248407, ClinGen allele CA368190663.
Genomic context (GRCh38, chr7:93,133,562, plus strand): 5'-CTGCTAAAACGGAATGGATGGCATTTTGTAGAAAGTAGACATTTTCTTGTTCTTCAAAAT[C>T]ATCCACAAGGAGAAGCACAGGAATGTAATCCTGATGGCTCTTTGCCCTATAGGTGACCAG-3'
Protein context (NP_689916.2, residues 794-814): DYIPVLLLVD[Asp804Asn]FEEQENVYFL